The following is an entry in ClinVar:

NM_006361.6(HOXB13):c.168G>A (p.Ser56=)

Gene: HOXB13 (homeobox B13; minus strand). Cytogenetic location: 17q21.32.
Variant type: single nucleotide variant.
Coding change: c.168G>A on transcript NM_006361.6 (MANE Select); coding-DNA position 168, G replaced by A.
Protein change: p.Ser56=; no amino-acid change (serine 56 retained).
Molecular consequence: synonymous variant.
Genome position (GRCh38, 1-based): chr17:48,728,426, C>T on the plus strand (G>A on the coding strand, the complement: HOXB13 is on the minus strand). VCF-style: chr17-48728426-C-T. GRCh37 (hg19) VCF-style: chr17-46805788-C-T.
Other names: c.168G>A (NM_006361.5).
Identifiers: ClinVar variation 1106769 (VCV001106769.11), dbSNP rs1325861190, ClinGen allele CA500502681.

ClinVar aggregate classification (germline): Benign/Likely benign. Review status: criteria provided, multiple submitters, no conflicts (2 of 4 stars). 3 submissions from 3 submitters: Benign (1); Likely benign (2). Last evaluated 2024-12-02.

Conditions:
Prostate cancer, hereditary, 9 (HPC9). Identifiers: Orphanet 1331, MedGen C1970250, MONDO:0012597, OMIM 610997.
Hereditary cancer-predisposing syndrome. Also called: Tumor predisposition; Neoplastic Syndromes, Hereditary; Hereditary Cancer Syndrome; Hereditary neoplastic syndrome. Identifiers: Orphanet 140162, MedGen C0027672, MeSH D009386, MONDO:0015356.

Allele frequency attached by ClinVar (database versions not stated): gnomAD exomes below 0.00001.

Submissions (3):

Ambry Genetics
Classification: Likely benign for Hereditary cancer-predisposing syndrome. Last evaluated: 2024-12-02. Review status: criteria provided, single submitter. Criteria: Ambry Variant Classification Scheme 2023. Collection method: clinical testing. Allele origin: germline.

Myriad Genetics, Inc.
Classification: Benign for Prostate cancer, hereditary, 9. Last evaluated: 2024-10-29. Review status: criteria provided, single submitter. Criteria: Myriad Autosomal Dominant, Autosomal Recessive and X-Linked Classification Criteria (2023). Collection method: clinical testing. Allele origin: unknown.
Comment: This variant is considered benign. This variant is a silent/synonymous amino acid change and it is not expected to impact splicing.

Labcorp Genetics (formerly Invitae), Labcorp
Classification: Likely benign. Last evaluated: 2023-12-04. Review status: criteria provided, single submitter. Criteria: Invitae Variant Classification Sherloc (09022015). Collection method: clinical testing. Allele origin: germline.